The following is an entry in ClinVar:

ClinVar aggregate classification (germline): Uncertain significance (1 of 4 stars; one submission).

Conditions:
Catecholaminergic polymorphic ventricular tachycardia (CVPT). Also called: Catecholamine-induced polymorphic ventricular tachycardia. Identifiers: Orphanet 3286, MedGen C5574922, MONDO:0017990.

gnomAD v4.1: 1 of 1,613,914 alleles (0.000062%); no homozygotes.

Submission:

All of Us Research Program, National Institutes of Health
Classification: Uncertain significance for Catecholaminergic polymorphic ventricular tachycardia. Last evaluated: 2024-08-13. Review status: criteria provided, single submitter. Criteria: ACMG Guidelines, 2015. Collection method: clinical testing. Allele origin: germline. Inheritance: Autosomal dominant inheritance. Observed: 1 variant allele, 1 heterozygote.
Comment: This missense variant replaces methionine with isoleucine at codon 4292 of the RYR2 protein. Computational prediction suggests that this variant may not impact protein structure and function (internally defined REVEL score threshold <= 0.5, PMID: 27666373). To our knowledge, functional studies have not been reported for this variant. This variant has not been reported in individuals affected with RYR2-related disorders in the literature. This variant has not been identified in the general population by the Genome Aggregation Database (gnomAD). The available evidence is insufficient to determine the role of this variant in disease conclusively. Therefore, this variant is classified as a Variant of Uncertain Significance.

This study involves interpretation of variants in research participants for the purpose of population health screening. Participant phenotype was not available at the time of variant classification. Additional details can be found in publication PMID: 35346344, PMCID: PMC8962531

NM_001035.3(RYR2):c.12876G>C (p.Met4292Ile)

Genes: RYR2 (ryanodine receptor 2; plus strand), LOC126806068 (BRD4-independent group 4 enhancer GRCh37_chr1:237947411-237948610; plus strand). Cytogenetic location: 1q43.
Variant type: single nucleotide variant.
Coding change: c.12876G>C on transcript NM_001035.3 (MANE Select); coding-DNA position 12876, G replaced by C.
Protein change: p.Met4292Ile; replaces methionine 4292 with isoleucine.
Molecular consequence: missense variant.
Genome position (GRCh38, 1-based): chr1:237,784,588, G>C. VCF-style: chr1-237784588-G-C. GRCh37 (hg19) VCF-style: chr1-237947888-G-C.
Other names: short protein forms M4292I.
Identifiers: ClinVar variation 3385857 (VCV003385857.1).